The following is an entry in ClinVar:

NM_000179.3(MSH6):c.193_196delinsCTT (p.Ser65fs)

Gene: MSH6 (mutS homolog 6; plus strand). Cytogenetic location: 2p16.3.
Variant type: Indel.
Coding change: c.193_196delinsCTT on transcript NM_000179.3 (MANE Select); coding-DNA positions 193 to 196, TCAC replaced by CTT.
Protein change: p.Ser65fs; shifts the reading frame from serine 65.
Molecular consequence: frameshift variant. On other transcripts: 5 prime UTR variant (7), non-coding transcript variant (5), intron variant (5).
Genome position (GRCh38, 1-based): chr2:47,783,426-47,783,429, TCAC replaced by CTT. VCF-style: chr2-47783426-TCAC-CTT. GRCh37 (hg19) VCF-style: chr2-48010565-TCAC-CTT.
Other names: c.193_196delinsCTT, p.Ser65fs (NM_001281492.2, NM_001406795.1, NM_001406796.1 and 9 more transcripts); c.-544_-541delinsCTT (NM_001281493.2, NM_001406811.1); c.-136_-133delinsCTT (NM_001406799.1); c.138_141delinsCTT, p.His47fs (NM_001406804.1); c.-736_-733delinsCTT (NM_001406807.1); c.-391_-388delinsCTT (NM_001406812.1); c.-802_-799delinsCTT (NM_001406814.1); c.-347_-344delinsCTT (NM_001406816.1); and 3 more; short protein forms H47fs, S65fs.
Identifiers: ClinVar variation 2673684 (VCV002673684.1), dbSNP rs2530321671, ClinGen allele CA2695200731.
Genomic context (GRCh38, chr2:47,783,426, plus strand): 5'-GGCGGGGATGCGGCCTGGAGCGAGGCTGGGCCTGGGCCCAGGCCCTTGGCGCGCTCCGCG[TCAC>CTT]CGCCCAAGGCGAAGAACCTCAACGGAGGGCTGCGGAGATCGGTAGCGCCTGCTGCCCCCA-3'

ClinVar aggregate classification (germline): Pathogenic (1 of 4 stars; one submission).

Conditions:
Lynch syndrome 5 (LYNCH5). Also called: Colorectal cancer, hereditary nonpolyposis, type 5; Hereditary non-polyposis colorectal cancer, type 5. Identifiers: Orphanet 144, MedGen C1833477, MONDO:0013710, OMIM 614350. Disease mechanism: loss of function.

Submission:

Myriad Genetics, Inc.
Classification: Pathogenic for Lynch syndrome 5. Last evaluated: 2023-08-09. Review status: criteria provided, single submitter. Criteria: Myriad Autosomal Dominant, Autosomal Recessive and X-Linked Classification Criteria (2023). Collection method: clinical testing. Allele origin: unknown.
Comment: This variant is considered pathogenic. This variant creates a frameshift predicted to result in premature protein truncation.